The following is an entry in ClinVar:

ClinVar aggregate classification (germline): Pathogenic (1 of 4 stars; one submission).

Conditions:
Asphyxiating thoracic dystrophy 3. Also called: SHORT-RIB THORACIC DYSPLASIA 3 WITH OR WITHOUT POLYDACTYLY; POLYDACTYLY WITH NEONATAL CHONDRODYSTROPHY, TYPE I; SHORT-RIB THORACIC DYSPLASIA 3/6 WITH POLYDACTYLY, DIGENIC; Short rib polydactyly syndrome 2B; Saldino-Noonan Syndrome. Identifiers: Orphanet 474, Orphanet 93269, Orphanet 93270, Orphanet 93271, MedGen C0036069, MONDO:0013127, OMIM 613091.

Submission:

Myriad Genetics, Inc.
Classification: Pathogenic for Asphyxiating thoracic dystrophy 3. Last evaluated: 2025-12-28. Review status: criteria provided, single submitter. Criteria: Myriad Autosomal Dominant, Autosomal Recessive and X-Linked Classification Criteria (2023). Collection method: clinical testing. Allele origin: unknown.
Comment: NM_001377.2(DYNC2H1):c.1031_1053del23(F344*) is a nonsense variant classified as pathogenic in the context of DYNC2H1-related disorders. F344* has not been observed in cases with relevant disease. Relevant functional assessments of this variant are not available in the literature. F344* has not been observed in referenced population frequency databases. In summary, NM_001377.2(DYNC2H1):c.1031_1053del23(F344*) is a nonsense variant in a gene where loss of function is a known mechanism of disease and is predicted to disrupt protein function. Please note: this variant was assessed in the context of healthy population screening.

NM_001377.3(DYNC2H1):c.1031_1053del (p.Lys343_Phe344insTer)

Gene: DYNC2H1 (dynein cytoplasmic 2 heavy chain 1; plus strand). Cytogenetic location: 11q22.3.
Variant type: Deletion.
Coding change: c.1031_1053del on transcript NM_001377.3 (MANE Select); coding-DNA positions 1031 to 1053, 23 bases deleted (TTCTCTATTTTCTACCTGCCAGT).
Protein change: p.Lys343_Phe344insTer.
Molecular consequence: nonsense.
Genome position (GRCh38, 1-based): chr11:103,120,478-103,120,500, TTCTCTATTTTCTACCTGCCAGT deleted; deleting any 23 consecutive bases within chr11:103,120,475-103,120,500 gives the same sequence; the c. name uses the placement nearest the transcript's 3' end. VCF-style (leftmost placement, unchanged base first): chr11-103120474-AAGTTTCTCTATTTTCTACCTGCC-A. GRCh37 (hg19) VCF-style: chr11-102991203-AAGTTTCTCTATTTTCTACCTGCC-A.
Other names: c.1031_1053del, p.Lys343_Phe344insTer (NM_001080463.2).
Identifiers: ClinVar variation 5003932 (VCV005003932.1).